The following is an entry in ClinVar:

ClinVar aggregate classification (germline): Benign. Review status: reviewed by expert panel (3 of 4 stars). 20 submissions from 20 submitters: Benign (1). 19 of the submissions do not count toward it. Last evaluated 2019-06-18.

Conditions:
BRCA2-related disorder. Also called: BRCA2-related condition; BRCA2-related disorders. Identifiers: MedGen CN239275.
Hereditary cancer-predisposing syndrome. Also called: Hereditary Cancer Syndrome; Tumor predisposition; Neoplastic Syndromes, Hereditary; Hereditary neoplastic syndrome. Identifiers: Orphanet 140162, MedGen C0027672, MeSH D009386, MONDO:0015356.
Breast and/or ovarian cancer. Identifiers: MedGen CN221562.
Hereditary breast ovarian cancer syndrome. Also called: Breast and ovarian cancer; BRCA1- and BRCA2-Associated Hereditary Breast and Ovarian Cancer; Hereditary breast and ovarian cancer; Hereditary breast and ovarian cancer syndrome (HBOC); Hereditary breast and ovarian cancer syndrome; Hereditary breast and/or ovarian cancer syndrome. Identifiers: Orphanet 145, MedGen C0677776, MeSH D061325, MONDO:0003582. Disease mechanism: loss of function.
Breast-ovarian cancer, familial, susceptibility to, 2 (BROVCA2). Also called: BRCA2 Hereditary Breast and Ovarian Cancer. Identifiers: Orphanet 145, MedGen C2675520, MONDO:0012933, OMIM 612555. Disease mechanism: loss of function.

Allele frequency attached by ClinVar (database versions not stated): gnomAD 0.00003 and 0.00004; ExAC 0.00001; gnomAD exomes 0.00002; TOPMed 0.00002.
gnomAD v4.1: 41 of 1,614,026 alleles (0.0025%); highest among the groups gnomAD compares: Non-Finnish European, 0.0034%; no homozygotes.

Submissions (20):

Evidence-based Network for the Interpretation of Germline Mutant Alleles (ENIGMA)
Classification: Benign for Breast-ovarian cancer, familial, susceptibility to, 2. Last evaluated: 2019-06-18. Review status: reviewed by expert panel. Criteria: ENIGMA BRCA1/2 Classification Criteria (2017-06-29). Collection method: curation. Allele origin: germline.
Comment: IARC class based on posterior probability from multifactorial likelihood analysis, thresholds for class as per Plon et al. 2008 (PMID: 18951446). Class 1 based on posterior probability = 0.000915

PreventionGenetics, part of Exact Sciences
Classification: Likely benign for BRCA2-related condition. Last evaluated: 2026-05-18. Review status: criteria provided, single submitter. Criteria: ACMG Guidelines, 2015. Collection method: clinical testing. Allele origin: germline. Not counted in ClinVar's aggregate classification.
Comment: This variant is classified as likely benign based on ACMG/AMP sequence variant interpretation guidelines (Richards et al. 2015 PMID: 25741868, with internal and published modifications).

Labcorp Genetics (formerly Invitae), Labcorp
Classification: Likely benign for Hereditary breast ovarian cancer syndrome. Last evaluated: 2025-11-18. Review status: criteria provided, single submitter. Criteria: Invitae Variant Classification Sherloc (09022015). Collection method: clinical testing. Allele origin: germline. Not counted in ClinVar's aggregate classification.

Mayo Clinic Laboratories, Mayo Clinic
Classification: Likely benign. Last evaluated: 2025-10-07. Review status: criteria provided, single submitter. Criteria: ACMG Guidelines, 2015. Collection method: clinical testing. Allele origin: germline. Observed: 1 variant allele. Not counted in ClinVar's aggregate classification.
Comment: BS1_supporting, BP1_strong

Women's Health and Genetics/Laboratory Corporation of America, LabCorp
Classification: Uncertain significance. Last evaluated: 2025-08-14. Review status: criteria provided, single submitter. Criteria: LabCorp Variant Classification Summary - May 2015. Collection method: clinical testing. Allele origin: germline. Not counted in ClinVar's aggregate classification.
Comment: Variant summary: BRCA2 c.1181A>C (p.Glu394Ala) results in a non-conservative amino acid change in the encoded protein sequence. Algorithms developed to predict the effect of missense changes on protein structure and function are either unavailable or do not agree on the potential impact of this missense change. The variant allele was found at a frequency of 2.4e-05 in 250208 control chromosomes. The available data on variant occurrences in the general population are insufficient to allow any conclusion about variant significance. c.1181A>C has been observed in individual(s) affected with Hereditary Breast And Ovarian Cancer Syndrome (Caux-Moncoutier_2011, Palomba_2009, Carney_2010, Miolo_2009, Apessos_2018, Lebo_2018). These report(s) do not provide unequivocal conclusions about association of the variant with Hereditary Breast And Ovarian Cancer Syndrome. A co-occurrence with another pathogenic BRCA2 variant, c.8168A>G (p.Asp2723Gly) has been reported (NHGRI-BIC database), providing supporting evidence for a benign role. To our knowledge, no experimental evidence demonstrating an impact on protein function has been reported. The following publications have been ascertained in the context of this evaluation (PMID: 29310832, 21218378, 21120943, 28726806, 19818148, 19619314). ClinVar contains an entry for this variant (Variation ID: 51077). Based on the evidence outlined above, the variant was classified as VUS-possibly benign.

GeneKor MSA
Classification: Benign for Hereditary breast ovarian cancer syndrome. Last evaluated: 2025-07-10. Review status: criteria provided, single submitter. Criteria: ACMG Guidelines, 2015. Collection method: clinical testing. Allele origin: germline. Not counted in ClinVar's aggregate classification.

Center for Genomic Medicine, Rigshospitalet, Copenhagen University Hospital
Classification: Likely benign. Last evaluated: 2025-03-04. Review status: criteria provided, single submitter. Criteria: ACMG Guidelines, 2015. Collection method: clinical testing. Allele origin: germline. Not counted in ClinVar's aggregate classification.

Quest Diagnostics Nichols Institute San Juan Capistrano
Classification: Likely benign. Last evaluated: 2025-01-14. Review status: criteria provided, single submitter. Criteria: Quest Diagnostics criteria. Collection method: clinical testing. Allele origin: unknown. Not counted in ClinVar's aggregate classification.

CeGaT Center for Human Genetics Tuebingen
Classification: Likely benign. Last evaluated: 2024-11-01. Review status: criteria provided, single submitter. Criteria: CeGaT Center For Human Genetics Tuebingen Variant Classification Criteria Version 2. Collection method: clinical testing. Allele origin: germline. Affected: yes. Observed: 1 variant allele. Not counted in ClinVar's aggregate classification.
Comment: BRCA2: BP4, BS1

Mendelics
Classification: Benign for Hereditary breast ovarian cancer syndrome. Last evaluated: 2023-08-22. Review status: criteria provided, single submitter. Criteria: Mendelics Assertion Criteria 2019. Collection method: clinical testing. Allele origin: germline. Not counted in ClinVar's aggregate classification.

Genetic Services Laboratory, University of Chicago
Classification: Likely benign. Last evaluated: 2021-05-05. Review status: criteria provided, single submitter. Criteria: ACMG Guidelines, 2015. Collection method: clinical testing. Allele origin: germline. Affected: no. Not counted in ClinVar's aggregate classification.

Sema4
Classification: Likely benign for Hereditary cancer-predisposing syndrome. Last evaluated: 2021-04-21. Review status: criteria provided, single submitter. Criteria: Sema4 Curation Guidelines. Collection method: curation. Allele origin: germline. Not counted in ClinVar's aggregate classification.

CHEO Genetics Diagnostic Laboratory, Children's Hospital of Eastern Ontario
Classification: Likely benign for Breast and/or ovarian cancer. Last evaluated: 2021-03-21. Review status: criteria provided, single submitter. Criteria: ACMG Guidelines, 2015. Collection method: clinical testing. Allele origin: germline. Not counted in ClinVar's aggregate classification.

Ambry Genetics
Classification: Likely benign for Hereditary cancer-predisposing syndrome. Last evaluated: 2020-09-14. Review status: criteria provided, single submitter. Criteria: Ambry Variant Classification Scheme 2023. Collection method: clinical testing. Allele origin: germline. Not counted in ClinVar's aggregate classification.

GeneDx
Classification: Likely benign. Last evaluated: 2020-09-08. Review status: criteria provided, single submitter. Criteria: GeneDx Variant Classification Process June 2021. Collection method: clinical testing. Allele origin: germline. Affected: yes. Not counted in ClinVar's aggregate classification.
Comment: This variant is associated with the following publications: (PMID: 19818148, 19619314, 21120943, 21218378, 29310832)

Color Diagnostics, LLC DBA Color Health
Classification: Likely benign for Hereditary cancer-predisposing syndrome. Last evaluated: 2016-08-18. Review status: criteria provided, single submitter. Criteria: ACMG Guidelines, 2015. Collection method: clinical testing. Allele origin: germline. Not counted in ClinVar's aggregate classification.

BRCAlab, Lund University
Classification: Benign for Breast-ovarian cancer, familial, susceptibility to, 2. Last evaluated: 2020-03-02. Review status: no assertion criteria provided. Collection method: clinical testing. Allele origin: germline. Affected: yes. Not counted in ClinVar's aggregate classification.

Counsyl
Classification: Uncertain significance for Breast-ovarian cancer, familial, susceptibility to, 2. Last evaluated: 2016-02-19. Review status: no assertion criteria provided. Collection method: clinical testing. Allele origin: unknown. Not counted in ClinVar's aggregate classification.

Sharing Clinical Reports Project (SCRP)
Classification: Uncertain significance for Breast-ovarian cancer, familial 2. Last evaluated: 2012-05-01. Review status: no assertion criteria provided. Collection method: clinical testing. Allele origin: germline. Not counted in ClinVar's aggregate classification.

Breast Cancer Information Core (BIC) (BRCA2)
Classification: Uncertain significance for Breast-ovarian cancer, familial 2. Last evaluated: 2002-05-29. Review status: no assertion criteria provided. Collection method: clinical testing. Allele origin: germline. Affected: yes. Observed: 5 variant alleles. Not counted in ClinVar's aggregate classification.

Literature cited by the submitters: PubMed 31131967 (cited by 3 submitters); PubMed 21120943 (cited by 3 submitters); PubMed 19619314 (cited by 4 submitters); PubMed 21218378 (cited by 3 submitters); PubMed 19818148 (cited by 4 submitters); PubMed 29310832 (cited by 3 submitters); PubMed 28726806 (cited by Women's Health and Genetics/Laboratory Corporation of America, LabCorp and Quest Diagnostics Nichols Institute San Juan Capistrano); PubMed 33471991 (cited by Quest Diagnostics Nichols Institute San Juan Capistrano); PubMed 32806537 (cited by Quest Diagnostics Nichols Institute San Juan Capistrano); PubMed 31911673 (cited by Quest Diagnostics Nichols Institute San Juan Capistrano); PubMed 35205822 (cited by Quest Diagnostics Nichols Institute San Juan Capistrano).

NM_000059.4(BRCA2):c.1181A>C (p.Glu394Ala)

Gene: BRCA2 (BRCA2 DNA repair associated; plus strand). Cytogenetic location: 13q13.1.
Variant type: single nucleotide variant.
Coding change: c.1181A>C on transcript NM_000059.4 (MANE Select); coding-DNA position 1181, A replaced by C.
Protein change: p.Glu394Ala; replaces glutamic acid 394 with alanine.
Molecular consequence: missense variant.
Genome position (GRCh38, 1-based): chr13:32,332,659, A>C. VCF-style: chr13-32332659-A-C. GRCh37 (hg19) VCF-style: chr13-32906796-A-C.
Other names: p.E394A:GAA>GCA; 1409A>C; short protein forms E394A.
Identifiers: ClinVar variation 51077 (VCV000051077.56), dbSNP rs56016241, ClinGen allele CA011067.